The following is an entry in ClinVar:

NM_004364.5(CEBPA):c.331G>A (p.Ala111Thr)

Gene: CEBPA (CCAAT enhancer binding protein alpha; minus strand). Cytogenetic location: 19q13.11.
Variant type: single nucleotide variant.
Coding change: c.331G>A on transcript NM_004364.5 (MANE Select); coding-DNA position 331, G replaced by A.
Protein change: p.Ala111Thr; replaces alanine 111 with threonine.
Molecular consequence: missense variant. On other transcripts: 5 prime UTR variant (1).
Genome position (GRCh38, 1-based): chr19:33,302,084, C>T on the plus strand (G>A on the coding strand, the complement: CEBPA is on the minus strand). VCF-style: chr19-33302084-C-T. GRCh37 (hg19) VCF-style: chr19-33792990-C-T.
Other names: c.-27G>A (NM_001285829.2); c.436G>A, p.Ala146Thr (NM_001287424.2); c.289G>A, p.Ala97Thr (NM_001287435.2); short protein forms A111T, A97T, A146T.
Identifiers: ClinVar variation 3714013 (VCV003714013.2).
Genomic context (GRCh38, chr19:33,302,084, plus strand): 5'-AGCCGGGCGGGGGCCCGTGCGCTCCCCCGGGCATGACGGCGCCGCCGGGGCCCGCGGGCG[C>T]GCCCGGGTAGTCAAAGTCGCCGCCGCCGCCGCCGCCCGTGGGGCCCACGGCCGCCTTGGC-3'
Protein context (NP_004355.2, residues 101-121): GGGGDFDYPG[Ala111Thr]PAGPGGAVMP

ClinVar aggregate classification (germline): Uncertain significance (1 of 4 stars; one submission).

Conditions:
Acute myeloid leukemia (AML). Also called: Acute myeloid leukemia, adult; AML adult; Acute non-lymphocytic leukemia; Acute granulocytic leukemia; Leukemia, acute myeloid, somatic; Leukemia, acute myelogenous, somatic. Identifiers: Orphanet 519, MedGen C0023467, MeSH D015470, MONDO:0018874, OMIM 601626, HP:0004808. Disease mechanism: Constitutively activated FLT3.

Submission:

Labcorp Genetics (formerly Invitae), Labcorp
Classification: Uncertain significance for Acute myeloid leukemia. Last evaluated: 2024-03-02. Review status: criteria provided, single submitter. Criteria: Invitae Variant Classification Sherloc (09022015). Collection method: clinical testing. Allele origin: germline.
Comment: This sequence change replaces alanine, which is neutral and non-polar, with threonine, which is neutral and polar, at codon 111 of the CEBPA protein (p.Ala111Thr). This variant is not present in population databases (gnomAD no frequency). This variant has not been reported in the literature in individuals affected with CEBPA-related conditions. Advanced modeling of protein sequence and biophysical properties (such as structural, functional, and spatial information, amino acid conservation, physicochemical variation, residue mobility, and thermodynamic stability) performed at Invitae indicates that this missense variant is not expected to disrupt CEBPA protein function with a negative predictive value of 80%. In summary, the available evidence is currently insufficient to determine the role of this variant in disease. Therefore, it has been classified as a Variant of Uncertain Significance.